The following is an entry in ClinVar:

ClinVar aggregate classification (germline): Pathogenic. Review status: criteria provided, multiple submitters, no conflicts (2 of 4 stars). 2 submissions from 2 submitters: Pathogenic (2). Last evaluated 2020-10-19.

Conditions:
CHARGE syndrome (CHARGE). Also called: CHARGE ASSOCIATION--COLOBOMA, HEART ANOMALY, CHOANAL ATRESIA, RETARDATION, GENITAL AND EAR ANOMALIES; Hittner Hirsch Kreh syndrome; Coloboma, heart anomaly, choanal atresia, retardation, genital and ear anomalies; CHARGE association; Hall-Hittner syndrome. Identifiers: Orphanet 138, MedGen C0265354, MONDO:0008965.

Submissions (2):

Victorian Clinical Genetics Services, Murdoch Childrens Research Institute
Classification: Pathogenic for CHD7-related CHARGE syndrome. Last evaluated: 2020-10-19. Review status: criteria provided, single submitter. Criteria: ACMG Guidelines, 2015. Collection method: clinical testing. Allele origin: germline. Inheritance: Autosomal dominant inheritance. Affected: yes.
Comment: Based on the classification scheme VCGS_Germline_v1.3.3, this variant is classified as Pathogenic. Following criteria are met: 0102 - Loss of function is a known mechanism of disease in this gene and is associated with CHARGE syndrome (MIM#214800). (I) 0107 - This gene is associated with autosomal dominant disease. (I) 0201 - Variant is predicted to cause nonsense-mediated decay (NMD) and loss of protein (premature termination codon is located at least 54 nucleotides upstream of the final exon-exon junction). (SP) 0219 - This variant is non-coding in an alternative transcript. The variant is intronic in an alternate isoform, however it is coding in the longest and most clinically relevant transcript (ClinVar, NCBI, UCSC). (I) 0251 - This variant is heterozygous. (I) 0301 - Variant is absent from gnomAD (both v2 and v3). (SP) 0701 - Other NMD-predicted variants comparable to the one identified in this case have very strong previous evidence for pathogenicity. Many other similar variants have previously been classified as pathogenic in individuals with CHARGE syndrome (MIM#214800) (ClinVar). (SP) 0803 - This variant has limited previous evidence of pathogenicity in unrelated individuals. The variant has previously been reported as pathogenic in at least two individuals with CHARGE syndrome (MIM#214800) (ClinVar, HGMD, PMID: 22461308). (SP) 0905 - No published segregation evidence has been identified for this variant. (I) 1007 - No published functional evidence has been identified for this variant. (I) 1102 - Strong phenotype match for this individual. (SP) 1208 - Inheritance information for this variant is not currently available in this individual. (I) Legend: (SP) - Supporting pathogenic, (I) - Information, (SB) - Supporting benign

Genetic Services Laboratory, University of Chicago
Classification: Pathogenic for CHARGE syndrome. Last evaluated: 2013-02-08. Review status: criteria provided, single submitter. Criteria: ACMG Guidelines, 2007. Collection method: clinical testing. Allele origin: germline. Inheritance: Autosomal dominant inheritance. Affected: yes.

Literature cited by the submitters: PubMed 22461308 (cited by Victorian Clinical Genetics Services, Murdoch Childrens Research Institute).

NM_017780.4(CHD7):c.2815G>T (p.Glu939Ter)

Gene: CHD7 (chromodomain helicase DNA binding protein 7; plus strand). Cytogenetic location: 8q12.2.
Variant type: single nucleotide variant.
Coding change: c.2815G>T on transcript NM_017780.4 (MANE Select); coding-DNA position 2815, G replaced by T.
Protein change: p.Glu939Ter; replaces glutamic acid 939 with a stop codon.
Molecular consequence: nonsense. On other transcripts: intron variant (1).
Genome position (GRCh38, 1-based): chr8:60,821,907, G>T. VCF-style: chr8-60821907-G-T. GRCh37 (hg19) VCF-style: chr8-61734466-G-T.
Other names: c.2815G>T (LRG_176t1); c.1717-40322G>T (NM_001316690.1); short protein forms E939*.
Identifiers: ClinVar variation 158285 (VCV000158285.7), dbSNP rs587783434, ClinGen allele CA271291.